The following is an entry in ClinVar:

NM_006206.6(PDGFRA):c.2932del (p.Ala978fs)

Gene: PDGFRA (platelet derived growth factor receptor alpha; plus strand). Cytogenetic location: 4q12.
Variant type: Deletion.
Coding change: c.2932del on transcript NM_006206.6 (MANE Select); coding-DNA position 2932, one base deleted (G; older notation c.2932delG).
Protein change: p.Ala978fs; shifts the reading frame from alanine 978.
Molecular consequence: frameshift variant.
Genome position (GRCh38, 1-based): chr4:54,290,364, G deleted; the last of 2 consecutive G bases (chr4:54,290,363-54,290,364); deleting either gives the same sequence. VCF-style (leftmost placement, unchanged base first): chr4-54290362-TG-T. GRCh37 (hg19) VCF-style: chr4-55156529-TG-T.
Other names: c.3007del, p.Ala1003fs (NM_001347828.2); c.2932del, p.Ala978fs (NM_001347829.2); c.2971del, p.Ala991fs (NM_001347830.2); short protein forms A991fs, A978fs, A1003fs.
Identifiers: ClinVar variation 2859391 (VCV002859391.3), dbSNP rs2475565147, ClinGen allele CA2739265915.

ClinVar aggregate classification (germline): Uncertain significance (1 of 4 stars; one submission).

Conditions:
Gastrointestinal stromal tumor. Also called: Gastrointestinal stromal tumor, somatic; Gastrointestinal stroma tumor. Identifiers: Orphanet 44890, MedGen C0238198, MeSH D046152, MONDO:0011719, OMIM 606764, HP:0100723.

Submission:

Labcorp Genetics (formerly Invitae), Labcorp
Classification: Uncertain significance for Gastrointestinal stromal tumor. Last evaluated: 2023-04-26. Review status: criteria provided, single submitter. Criteria: Invitae Variant Classification Sherloc (09022015). Collection method: clinical testing. Allele origin: germline.
Comment: In summary, the available evidence is currently insufficient to determine the role of this variant in disease. Therefore, it has been classified as a Variant of Uncertain Significance. Experimental studies and prediction algorithms are not available or were not evaluated, and the functional significance of this variant is currently unknown. This variant has not been reported in the literature in individuals affected with PDGFRA-related conditions. This variant is not present in population databases (gnomAD no frequency). This sequence change creates a premature translational stop signal (p.Ala978Hisfs*23) in the PDGFRA gene. It is expected to result in an absent or disrupted protein product. However, the current clinical and genetic evidence is not sufficient to establish whether loss-of-function variants in PDGFRA cause disease.